The following is an entry in ClinVar:

ClinVar aggregate classification (germline): Pathogenic (1 of 4 stars; one submission).

Conditions:
Multiple acyl-CoA dehydrogenase deficiency (MADD). Also called: Glutaric aciduria, type 2; Glutaric acidemia type II; GA 2; Glutaric Acidemia type 2; ETHYLMALONIC-ADIPICACIDURIA; GA II. Identifiers: Orphanet 26791, MedGen C0268596, MONDO:0009282, OMIM 231680.

gnomAD v4.1: 1 of 1,614,168 alleles (0.000062%); no homozygotes.

Submission:

Labcorp Genetics (formerly Invitae), Labcorp
Classification: Pathogenic for Multiple acyl-CoA dehydrogenase deficiency. Last evaluated: 2024-04-04. Review status: criteria provided, single submitter. Criteria: Invitae Variant Classification Sherloc (09022015). Collection method: clinical testing. Allele origin: germline.
Comment: This sequence change creates a premature translational stop signal (p.Gln89*) in the ETFDH gene. It is expected to result in an absent or disrupted protein product. Loss-of-function variants in ETFDH are known to be pathogenic (PMID: 16510302, 23785301). This variant is not present in population databases (gnomAD no frequency). This variant has not been reported in the literature in individuals affected with ETFDH-related conditions. ClinVar contains an entry for this variant (Variation ID: 1413722). For these reasons, this variant has been classified as Pathogenic.

Literature cited by the submitters: PubMed 16510302; PubMed 23785301.

NM_004453.4(ETFDH):c.265C>T (p.Gln89Ter)

Gene: ETFDH (electron transfer flavoprotein dehydrogenase; plus strand). Cytogenetic location: 4q32.1.
Variant type: single nucleotide variant.
Coding change: c.265C>T on transcript NM_004453.4 (MANE Select); coding-DNA position 265, C replaced by T.
Protein change: p.Gln89Ter; replaces glutamine 89 with a stop codon.
Molecular consequence: nonsense.
Genome position (GRCh38, 1-based): chr4:158,682,284, C>T. VCF-style: chr4-158682284-C-T. GRCh37 (hg19) VCF-style: chr4-159603436-C-T.
Other names: c.124C>T, p.Gln42Ter (NM_001281737.2); c.82C>T, p.Gln28Ter (NM_001281738.1); short protein forms Q89*, Q28*, Q42*.
Identifiers: ClinVar variation 1413722 (VCV001413722.6), dbSNP rs2150305196, ClinGen allele CA358574074.